The following is an entry in ClinVar:

ClinVar aggregate classification (germline): Likely benign. Review status: criteria provided, multiple submitters, no conflicts (2 of 4 stars). 3 submissions from 3 submitters: Likely benign (2). 1 of the submissions does not count toward it. Last evaluated 2019-12-31.

Conditions:
MCTP2-related disorder. Also called: MCTP2-related condition.

Allele frequency attached by ClinVar (database versions not stated): gnomAD exomes 0.00033 and 0.00080; ExAC 0.00035; 1000 Genomes Project 0.00040; TOPMed 0.00051; gnomAD 0.00052 and 0.00053; 1000 Genomes Project 30x 0.00062; ESP Exome Variant Server 0.00069.
gnomAD v4.1: 1,270 of 1,614,098 alleles (0.079%); highest among the groups gnomAD compares: Non-Finnish European, 0.099%; 3 homozygotes.

Submissions (3):

Labcorp Genetics (formerly Invitae), Labcorp
Classification: Likely benign. Last evaluated: 2019-12-31. Review status: criteria provided, single submitter. Criteria: Invitae Variant Classification Sherloc (09022015). Collection method: clinical testing. Allele origin: germline.

Breakthrough Genomics
Classification: Likely benign. Review status: criteria provided, single submitter. Criteria: ACMG Guidelines, 2015. Collection method: not provided. Allele origin: germline. Inheritance: Unknown mechanism. Affected: yes.

PreventionGenetics, part of Exact Sciences
Classification: Likely benign for MCTP2-related condition. Last evaluated: 2019-07-12. Review status: no assertion criteria provided. Collection method: clinical testing. Allele origin: germline. Not counted in ClinVar's aggregate classification.
Comment: This variant is classified as likely benign based on ACMG/AMP sequence variant interpretation guidelines (Richards et al. 2015 PMID: 25741868, with internal and published modifications).

NM_001385001.1(MCTP2):c.564C>T (p.Leu188=)

Gene: MCTP2 (multiple C2 and transmembrane domain containing 2; plus strand). Cytogenetic location: 15q26.2.
Variant type: single nucleotide variant.
Coding change: c.564C>T on transcript NM_001385001.1 (MANE Select); coding-DNA position 564, C replaced by T.
Protein change: p.Leu188=; no amino-acid change (leucine 188 retained).
Molecular consequence: synonymous variant. On other transcripts: non-coding transcript variant (7).
Genome position (GRCh38, 1-based): chr15:94,315,564, C>T. VCF-style: chr15-94315564-C-T. GRCh37 (hg19) VCF-style: chr15-94858793-C-T.
Other names: c.564C>T, p.Leu188= (NM_001159643.2, NM_001385002.1, NM_001385003.1 and 5 more transcripts); c.282C>T, p.Leu94= (NM_001385007.1, NM_001385011.1); c.66C>T, p.Leu22= (NM_001385009.1, NM_001385010.1).
Identifiers: ClinVar variation 730267 (VCV000730267.7), dbSNP rs140081019, ClinGen allele CA7749587.